The following is an entry in ClinVar:

ClinVar aggregate classification (germline): Likely pathogenic (1 of 4 stars; one submission).

Conditions:
Brown-Vialetto-van Laere syndrome 2. Also called: Riboflavin transporter deficiency type 2; SPINOCEREBELLAR ATAXIA WITH BLINDNESS AND DEAFNESS 2. Identifiers: Orphanet 572543, Orphanet 97229, MedGen C3553538, MONDO:0013867, OMIM 614707.

Submission:

Labcorp Genetics (formerly Invitae), Labcorp
Classification: Likely pathogenic for Brown-Vialetto-van Laere syndrome 2. Last evaluated: 2022-09-01. Review status: criteria provided, single submitter. Criteria: Invitae Variant Classification Sherloc (09022015). Collection method: clinical testing. Allele origin: germline.
Comment: This sequence change replaces cysteine, which is neutral and slightly polar, with arginine, which is basic and polar, at codon 325 of the SLC52A2 protein (p.Cys325Arg). This variant is not present in population databases (gnomAD no frequency). This variant has not been reported in the literature in individuals affected with SLC52A2-related conditions. ClinVar contains an entry for this variant (Variation ID: 1481986). Advanced modeling of protein sequence and biophysical properties (such as structural, functional, and spatial information, amino acid conservation, physicochemical variation, residue mobility, and thermodynamic stability) performed at Invitae indicates that this missense variant is expected to disrupt SLC52A2 protein function. This variant disrupts the p.Cys325 amino acid residue in SLC52A2. Other variant(s) that disrupt this residue have been determined to be pathogenic (PMID: 29287867). This suggests that this residue is clinically significant, and that variants that disrupt this residue are likely to be disease-causing. In summary, the currently available evidence indicates that the variant is pathogenic, but additional data are needed to prove that conclusively. Therefore, this variant has been classified as Likely Pathogenic.

Literature cited by the submitters: PubMed 29287867.

NM_001363118.2(SLC52A2):c.973T>C (p.Cys325Arg)

Gene: SLC52A2 (solute carrier family 52 member 2; plus strand). Cytogenetic location: 8q24.3.
Variant type: single nucleotide variant.
Coding change: c.973T>C on transcript NM_001363118.2 (MANE Select); coding-DNA position 973, T replaced by C.
Protein change: p.Cys325Arg; replaces cysteine 325 with arginine.
Molecular consequence: missense variant. On other transcripts: non-coding transcript variant (1).
Genome position (GRCh38, 1-based): chr8:144,360,465, T>C. VCF-style: chr8-144360465-T-C. GRCh37 (hg19) VCF-style: chr8-145584125-T-C.
Other names: c.973T>C, p.Cys325Arg (NM_001253815.2, NM_001253816.2, NM_001363120.2 and 2 more transcripts); c.481T>C, p.Cys161Arg (NM_001363122.2); short protein forms C161R, C325R.
Identifiers: ClinVar variation 1481986 (VCV001481986.8), dbSNP rs1554854341, ClinGen allele CA372628576.
Genomic context (GRCh38, chr8:144,360,465, plus strand): 5'-TACGGGCGTCTGGCCTACCACCTGGCTGTGGTGCTGGGCAGTGCTGCCAATCCCCTGGCC[T>C]GCTTCCTGGCCATGGGTGTGCTGTGCAGGTACACAAGGACCCCCAGCCCCTGTGCGGGTG-3'
Protein context (NP_001350047.1, residues 315-335): VLGSAANPLA[Cys325Arg]FLAMGVLCRS